The following is an entry in ClinVar:

NM_004360.5(CDH1):c.2597G>T (p.Gly866Val)

Gene: CDH1 (cadherin 1; plus strand). Cytogenetic location: 16q22.1.
Variant type: single nucleotide variant.
Coding change: c.2597G>T on transcript NM_004360.5 (MANE Select); coding-DNA position 2597, G replaced by T.
Protein change: p.Gly866Val; replaces glycine 866 with valine.
Molecular consequence: missense variant.
Genome position (GRCh38, 1-based): chr16:68,833,447, G>T. VCF-style: chr16-68833447-G-T. GRCh37 (hg19) VCF-style: chr16-68867350-G-T.
Other names: c.2414G>T, p.Gly805Val (NM_001317184.2); c.1049G>T, p.Gly350Val (NM_001317185.2); c.632G>T, p.Gly211Val (NM_001317186.2); c.2597G>T (LRG_301t1); short protein forms G350V, G211V, G805V, G866V.
Identifiers: ClinVar variation 655413 (VCV000655413.17), dbSNP rs1410318220, ClinGen allele CA396472643.
Genomic context (GRCh38, chr16:68,833,447, plus strand): 5'-GCTCCCTGAACTCCTCAGAGTCAGACAAAGACCAGGACTATGACTACTTGAACGAATGGG[G>T]CAATCGCTTCAAGAAGCTGGCTGACATGTACGGAGGCGGCGAGGACGACTAGGGGACTCG-3'
Protein context (NP_004351.1, residues 856-876): DQDYDYLNEW[Gly866Val]NRFKKLADMY

ClinVar aggregate classification (germline): Uncertain significance. Review status: criteria provided, multiple submitters, no conflicts (2 of 4 stars). 3 submissions from 3 submitters: Uncertain significance (3). Last evaluated 2026-06-17.

Conditions:
Hereditary cancer-predisposing syndrome. Also called: Neoplastic Syndromes, Hereditary; Hereditary Cancer Syndrome; Hereditary neoplastic syndrome; Tumor predisposition. Identifiers: Orphanet 140162, MedGen C0027672, MeSH D009386, MONDO:0015356.
Hereditary diffuse gastric adenocarcinoma (HDGC). Also called: DIFFUSE GASTRIC AND LOBULAR BREAST CANCER SYNDROME. Identifiers: Orphanet 26106, MedGen C1708349, MONDO:0007648, OMIM 137215.

Submissions (3):

Ambry Genetics
Classification: Uncertain significance for Hereditary cancer-predisposing syndrome. Last evaluated: 2026-06-17. Review status: criteria provided, single submitter. Criteria: Ambry Variant Classification Scheme 2023. Collection method: clinical testing. Allele origin: germline.
Comment: The p.G866V variant (also known as c.2597G>T), located in coding exon 16 of the CDH1 gene, results from a G to T substitution at nucleotide position 2597. The glycine at codon 866 is replaced by valine, an amino acid with dissimilar properties. This amino acid position is highly conserved in available vertebrate species. In addition, this alteration is predicted to be deleterious by in silico analysis. Based on the available evidence, the clinical significance of this variant remains unclear.

Center for Genomic Medicine, Rigshospitalet, Copenhagen University Hospital
Classification: Uncertain significance. Last evaluated: 2025-03-04. Review status: criteria provided, single submitter. Criteria: ACMG Guidelines, 2015. Collection method: clinical testing. Allele origin: germline.

Labcorp Genetics (formerly Invitae), Labcorp
Classification: Uncertain significance for Hereditary diffuse gastric adenocarcinoma. Last evaluated: 2023-07-07. Review status: criteria provided, single submitter. Criteria: Invitae Variant Classification Sherloc (09022015). Collection method: clinical testing. Allele origin: germline.
Comment: In summary, the available evidence is currently insufficient to determine the role of this variant in disease. Therefore, it has been classified as a Variant of Uncertain Significance. An algorithm developed to predict the effect of missense changes on protein structure and function (PolyPhen-2) suggests that this variant is likely to be disruptive. This sequence change replaces glycine, which is neutral and non-polar, with valine, which is neutral and non-polar, at codon 866 of the CDH1 protein (p.Gly866Val). This variant is not present in population databases (gnomAD no frequency). This variant has not been reported in the literature in individuals affected with CDH1-related conditions. ClinVar contains an entry for this variant (Variation ID: 655413).